The following is an entry in ClinVar:

ClinVar aggregate classification (germline): Uncertain significance. Review status: criteria provided, multiple submitters, no conflicts (2 of 4 stars). 4 submissions from 4 submitters: Uncertain significance (4). Last evaluated 2025-05-14.

Conditions:
Cardiovascular phenotype. Identifiers: MedGen CN230736.
Long QT syndrome (LQTS). Identifiers: MedGen C0023976, MeSH D008133, MONDO:0002442. Disease mechanism: loss of function. Inheritance: Various modes of inheritance.
Long QT syndrome 11 (LQT11). Identifiers: Orphanet 101016, Orphanet 768, MedGen C2678483, MONDO:0012738, OMIM 611820.

Allele frequency attached by ClinVar (database versions not stated): ExAC 0.00001; gnomAD 0.00001; gnomAD exomes 0.00001; TOPMed 0.00001.
gnomAD v4.1: 25 of 1,611,276 alleles (0.0016%); highest among the groups gnomAD compares: South Asian, 0.018%; no homozygotes.

Submissions (4):

Ambry Genetics
Classification: Uncertain significance for Cardiovascular phenotype. Last evaluated: 2025-05-14. Review status: criteria provided, single submitter. Criteria: Ambry Variant Classification Scheme 2023. Collection method: clinical testing. Allele origin: germline.
Comment: The p.V1386F variant (also known as c.4156G>T), located in coding exon 15 of the AKAP9 gene, results from a G to T substitution at nucleotide position 4156. The valine at codon 1386 is replaced by phenylalanine, an amino acid with highly similar properties. This alteration has been reported as a secondary cardiac variant in an exome cohort; however, clinical details are limited (Ng D et al. Circ Cardiovasc Genet, 2013 Aug;6:337-46). This amino acid position is poorly conserved in available vertebrate species. In addition, this alteration is predicted to be tolerated by in silico analysis. Since supporting evidence is limited at this time, the clinical significance of this alteration remains unclear.

Labcorp Genetics (formerly Invitae), Labcorp
Classification: Uncertain significance for Long QT syndrome. Last evaluated: 2022-12-14. Review status: criteria provided, single submitter. Criteria: Invitae Variant Classification Sherloc (09022015). Collection method: clinical testing. Allele origin: germline.
Comment: ClinVar contains an entry for this variant (Variation ID: 191386). In summary, the available evidence is currently insufficient to determine the role of this variant in disease. Therefore, it has been classified as a Variant of Uncertain Significance. Algorithms developed to predict the effect of missense changes on protein structure and function (SIFT, PolyPhen-2, Align-GVGD) all suggest that this variant is likely to be tolerated. This variant has not been reported in the literature in individuals affected with AKAP9-related conditions. This variant is present in population databases (rs762293635, gnomAD 0.006%). This sequence change replaces valine, which is neutral and non-polar, with phenylalanine, which is neutral and non-polar, at codon 1386 of the AKAP9 protein (p.Val1386Phe).

Fulgent Genetics
Classification: Uncertain significance for Long QT syndrome 11. Last evaluated: 2021-07-26. Review status: criteria provided, single submitter. Criteria: ACMG Guidelines, 2015. Collection method: clinical testing. Allele origin: unknown.

Biesecker Lab/Clinical Genomics Section, National Institutes of Health
Classification: Uncertain significance. Last evaluated: 2013-06-24. Review status: criteria provided, single submitter. Criteria: Ng et al. (Circ Cardiovasc Genet. 2013). Collection method: research. Allele origin: unknown. Observed: 1 variant allele. Study: ClinSeq.
Comment: The study set was not selected for affection status in relation to any cancer. Pathogenicity categories were based on literature curation. See Pubmed ID:23861362 for details.

Medical sequencing

Literature cited by the submitters: PubMed 23861362 (cited by Ambry Genetics).

NM_005751.5(AKAP9):c.4156G>T (p.Val1386Phe)

Gene: AKAP9 (A-kinase anchoring protein 9; plus strand). Cytogenetic location: 7q21.2.
Variant type: single nucleotide variant.
Coding change: c.4156G>T on transcript NM_005751.5 (MANE Select); coding-DNA position 4156, G replaced by T.
Protein change: p.Val1386Phe; replaces valine 1386 with phenylalanine.
Molecular consequence: missense variant.
Genome position (GRCh38, 1-based): chr7:92,029,902, G>T. VCF-style: chr7-92029902-G-T. GRCh37 (hg19) VCF-style: chr7-91659216-G-T.
Other names: c.4156G>T, p.Val1386Phe (NM_147185.3); short protein forms V1386F.
Identifiers: ClinVar variation 191386 (VCV000191386.10), dbSNP rs762293635, ClinGen allele CA236482.